The following is an entry in ClinVar:

NM_001242896.3(DEPDC5):c.829C>A (p.Leu277Ile)

Gene: DEPDC5 (DEP domain containing 5, GATOR1 subcomplex subunit; plus strand). Cytogenetic location: 22q12.2.
Variant type: single nucleotide variant.
Coding change: c.829C>A on transcript NM_001242896.3 (MANE Select); coding-DNA position 829, C replaced by A.
Protein change: p.Leu277Ile; replaces leucine 277 with isoleucine.
Molecular consequence: missense variant. On other transcripts: non-coding transcript variant (5).
Genome position (GRCh38, 1-based): chr22:31,797,661, C>A. VCF-style: chr22-31797661-C-A. GRCh37 (hg19) VCF-style: chr22-32193647-C-A.
Other names: c.829C>A, p.Leu277Ile (NM_001007188.4, NM_001136029.4, NM_001242897.2 and 7 more transcripts); c.745C>A, p.Leu249Ile (NM_001369901.1, NM_001369902.1); c.829C>A (NM_001242896.1); short protein forms L277I, L249I.
Identifiers: ClinVar variation 2832542 (VCV002832542.4), dbSNP rs778656662, ClinGen allele CA411290634.

ClinVar aggregate classification (germline): Uncertain significance. Review status: criteria provided, multiple submitters, no conflicts (2 of 4 stars). 2 submissions from 2 submitters: Uncertain significance (2). Last evaluated 2025-06-18.

Conditions:
Inborn genetic diseases. Identifiers: MedGen C0950123, MeSH D030342.
Familial focal epilepsy with variable foci (FPEVF). Identifiers: Orphanet 98820, MedGen C1858477, MONDO:0020310.

gnomAD v4.1: 3 of 1,613,970 alleles (0.00019%); highest among the groups gnomAD compares: South Asian, 0.0033%; no homozygotes.

Submissions (2):

Ambry Genetics
Classification: Uncertain significance for Inborn genetic diseases. Last evaluated: 2025-06-18. Review status: criteria provided, single submitter. Criteria: Ambry Variant Classification Scheme 2023. Collection method: clinical testing. Allele origin: germline.

Labcorp Genetics (formerly Invitae), Labcorp
Classification: Uncertain significance for Familial focal epilepsy with variable foci. Last evaluated: 2023-10-17. Review status: criteria provided, single submitter. Criteria: Invitae Variant Classification Sherloc (09022015). Collection method: clinical testing. Allele origin: germline.
Comment: This sequence change replaces leucine, which is neutral and non-polar, with isoleucine, which is neutral and non-polar, at codon 277 of the DEPDC5 protein (p.Leu277Ile). This variant is not present in population databases (gnomAD no frequency). This variant has not been reported in the literature in individuals affected with DEPDC5-related conditions. Experimental studies and prediction algorithms are not available or were not evaluated, and the functional significance of this variant is currently unknown. In summary, the available evidence is currently insufficient to determine the role of this variant in disease. Therefore, it has been classified as a Variant of Uncertain Significance.